The following is an entry in ClinVar:

NM_005802.5(TOPORS):c.2293G>A (p.Glu765Lys)

Gene: TOPORS (TOP1 binding arginine/serine rich protein, E3 ubiquitin ligase; minus strand). Cytogenetic location: 9p21.1.
Variant type: single nucleotide variant.
Coding change: c.2293G>A on transcript NM_005802.5 (MANE Select); coding-DNA position 2293, G replaced by A.
Protein change: p.Glu765Lys; replaces glutamic acid 765 with lysine.
Molecular consequence: missense variant.
Genome position (GRCh38, 1-based): chr9:32,542,232, C>T on the plus strand (G>A on the coding strand, the complement: TOPORS is on the minus strand). VCF-style: chr9-32542232-C-T. GRCh37 (hg19) VCF-style: chr9-32542230-C-T.
Other names: c.2098G>A, p.Glu700Lys (NM_001195622.2); short protein forms E765K, E700K.
Identifiers: ClinVar variation 4989860 (VCV004989860.1).

ClinVar aggregate classification (germline): Uncertain significance (1 of 4 stars; one submission).

Conditions:
TOPORS-related disorder. Also called: TOPORS-related condition.

gnomAD v4.1: 14 of 1,614,086 alleles (0.00087%); highest among the groups gnomAD compares: African/African-American, 0.0013%; no homozygotes.

Submission:

PreventionGenetics, part of Exact Sciences
Classification: Uncertain significance for TOPORS-related condition. Last evaluated: 2026-04-09. Review status: criteria provided, single submitter. Criteria: ACMG Guidelines, 2015. Collection method: clinical testing. Allele origin: germline.
Comment: The TOPORS c.2293G>A variant is predicted to result in the amino acid substitution p.Glu765Lys. To our knowledge, this variant has not been reported in the literature. This variant is present in 0.0026% of alleles in individuals of European (Non-Finnish) descent in gnomAD. At this time, the clinical significance of this variant is uncertain due to the absence of conclusive functional and genetic evidence.